The following is an entry in ClinVar:

ClinVar aggregate classification (germline): Likely pathogenic (1 of 4 stars; one submission).

Submission:

Labcorp Genetics (formerly Invitae), Labcorp
Classification: Likely pathogenic. Last evaluated: 2022-07-01. Review status: criteria provided, single submitter. Criteria: Invitae Variant Classification Sherloc (09022015). Collection method: clinical testing. Allele origin: germline.
Comment: In summary, the currently available evidence indicates that the variant is pathogenic, but additional data are needed to prove that conclusively. Therefore, this variant has been classified as Likely Pathogenic. This variant has not been reported in the literature in individuals affected with MSH3-related conditions. This variant results in a copy number gain of the genomic region encompassing exon(s) 10 of the MSH3 gene. While the exact position of this variant cannot be determined from the data, sub-genic copy number gains are generally in tandem (PMID: 25640679). This variant is predicted to be out-of-frame, and may result in an absent or disrupted protein product. Loss-of-function variants in MSH3 are known to be pathogenic (PMID: 27476653).

Literature cited by the submitters: PubMed 25640679; PubMed 27476653.

NC_000005.9:g.(?_80024660)_(80024794_?)dup

Gene: MSH3 (mutS homolog 3; plus strand). Cytogenetic location: 5q14.1.
Variant type: Duplication.
Identifiers: ClinVar variation 2424441 (VCV002424441.4).